The following is an entry in ClinVar:

NM_001042492.3(NF1):c.2636C>T (p.Ser879Leu)

Gene: NF1 (neurofibromin 1; plus strand). Cytogenetic location: 17q11.2.
Variant type: single nucleotide variant.
Coding change: c.2636C>T on transcript NM_001042492.3 (MANE Select); coding-DNA position 2636, C replaced by T.
Protein change: p.Ser879Leu; replaces serine 879 with leucine.
Molecular consequence: missense variant.
Genome position (GRCh38, 1-based): chr17:31,229,251, C>T. VCF-style: chr17-31229251-C-T. GRCh37 (hg19) VCF-style: chr17-29556269-C-T.
Other names: c.2636C>T, p.Ser879Leu (NM_000267.4); short protein forms S879L.
Identifiers: ClinVar variation 1373856 (VCV001373856.8), dbSNP rs2151429314, ClinGen allele CA398984604.
Genomic context (GRCh38, chr17:31,229,251, plus strand): 5'-GCCTGGCAACCTATAGCCCACCCATGGGTCCAGTCAGTGAACGTAAGGGTTCTATGATTT[C>T]AGTGATGTCTTCAGAGGGAAACGCAGATACACCTGTCAGCAAATTTATGGATCGGCTGTT-3'
Protein context (NP_001035957.1, residues 869-889): PVSERKGSMI[Ser879Leu]VMSSEGNADT

ClinVar aggregate classification (germline): Uncertain significance (1 of 4 stars; one submission).

Conditions:
Neurofibromatosis, type 1 (NF1). Also called: Peripheral type neurofibromatosis; Neurofibromatosis, type I; NEUROFIBROMATOSIS, TYPE I, SOMATIC; VON RECKLINGHAUSEN DISEASE. Identifiers: Orphanet 636, MedGen C0027831, MONDO:0018975, OMIM 162200. Disease mechanism: loss of function.

Submission:

Labcorp Genetics (formerly Invitae), Labcorp
Classification: Uncertain significance for Neurofibromatosis, type 1. Last evaluated: 2021-02-18. Review status: criteria provided, single submitter. Criteria: Invitae Variant Classification Sherloc (09022015). Collection method: clinical testing. Allele origin: germline.
Comment: This sequence change replaces serine with leucine at codon 879 of the NF1 protein (p.Ser879Leu). The serine residue is highly conserved and there is a large physicochemical difference between serine and leucine. This variant is not present in population databases (ExAC no frequency). This variant has not been reported in the literature in individuals with NF1-related conditions. Advanced modeling of protein sequence and biophysical properties (such as structural, functional, and spatial information, amino acid conservation, physicochemical variation, residue mobility, and thermodynamic stability) performed at Invitae indicates that this missense variant is expected to disrupt NF1 protein function. In summary, the available evidence is currently insufficient to determine the role of this variant in disease. Therefore, it has been classified as a Variant of Uncertain Significance.